The following is an entry in ClinVar:

NM_000051.4(ATM):c.2747T>C (p.Val916Ala)

Gene: ATM (ATM serine/threonine kinase; plus strand). Cytogenetic location: 11q22.3.
Variant type: single nucleotide variant.
Coding change: c.2747T>C on transcript NM_000051.4 (MANE Select); coding-DNA position 2747, T replaced by C.
Protein change: p.Val916Ala; replaces valine 916 with alanine.
Molecular consequence: missense variant.
Genome position (GRCh38, 1-based): chr11:108,268,518, T>C. VCF-style: chr11-108268518-T-C. GRCh37 (hg19) VCF-style: chr11-108139245-T-C.
Other names: c.2747T>C, p.Val916Ala (NM_001351834.2); short protein forms V916A.
Identifiers: ClinVar variation 1716637 (VCV001716637.5), dbSNP rs2135525344, ClinGen allele CA382545419.

ClinVar aggregate classification (germline): Uncertain significance (1 of 4 stars; one submission).

Conditions:
Ataxia-telangiectasia syndrome (AT). Also called: Cerebello-oculocutaneous telangiectasia; ATAXIA-TELANGIECTASIA, COMPLEMENTATION GROUP A; ATAXIA-TELANGIECTASIA, FRESNO VARIANT; Ataxia-telangiectasia, complementation group D; AT, COMPLEMENTATION GROUP C; Immunodeficiency with ataxia telangiectasia. Identifiers: Orphanet 100, MedGen C0004135, MONDO:0008840, OMIM 208900.

Submission:

Labcorp Genetics (formerly Invitae), Labcorp
Classification: Uncertain significance for Ataxia-telangiectasia syndrome. Last evaluated: 2022-07-17. Review status: criteria provided, single submitter. Criteria: Invitae Variant Classification Sherloc (09022015). Collection method: clinical testing. Allele origin: germline.
Comment: This sequence change replaces valine, which is neutral and non-polar, with alanine, which is neutral and non-polar, at codon 916 of the ATM protein (p.Val916Ala). This variant is not present in population databases (gnomAD no frequency). This variant has not been reported in the literature in individuals affected with ATM-related conditions. Advanced modeling of protein sequence and biophysical properties (such as structural, functional, and spatial information, amino acid conservation, physicochemical variation, residue mobility, and thermodynamic stability) performed at Invitae indicates that this missense variant is not expected to disrupt ATM protein function. In summary, the available evidence is currently insufficient to determine the role of this variant in disease. Therefore, it has been classified as a Variant of Uncertain Significance.